The following is an entry in ClinVar:

ClinVar aggregate classification (germline): Likely pathogenic (1 of 4 stars; one submission).

Conditions:
Hereditary cancer-predisposing syndrome. Also called: Neoplastic Syndromes, Hereditary; Hereditary neoplastic syndrome; Tumor predisposition; Hereditary Cancer Syndrome. Identifiers: Orphanet 140162, MedGen C0027672, MeSH D009386, MONDO:0015356.

Submission:

Institute for Genomic Medicine (IGM) Clinical Laboratory, Nationwide Children's Hospital
Classification: Likely pathogenic for Hereditary cancer-predisposing syndrome. Last evaluated: 2023-07-17. Review status: criteria provided, single submitter. Criteria: ACMG Guidelines, 2015. Collection method: clinical testing. Allele origin: germline.
Comment: This variant is predicted to result in loss of function through nonsense-mediated decay of the encoded transcript or premature truncation of the encoded protein in a gene in which loss of function is a known mechanism of disease (ACMG/AMP: PVS1; PMIDs:11056688, 12920083, 15131399, 16912212, 20104584, 23884708). This variant is absent from or present at an exceedingly low frequency in gnomAD, a large-scale control population database (ACMG/AMP: PM2).

Literature cited by the submitters: PubMed 11056688; PubMed 12920083; PubMed 15131399; PubMed 16912212; PubMed 20104584; PubMed 23884708.

NM_000059.4(BRCA2):c.8908_8909del (p.Trp2970fs)

Gene: BRCA2 (BRCA2 DNA repair associated; plus strand). Cytogenetic location: 13q13.1.
Variant type: Microsatellite.
Coding change: c.8908_8909del on transcript NM_000059.4 (MANE Select); coding-DNA positions 8908 to 8909, 2 bases deleted (TG; older notation c.8908_8909delTG).
Protein change: p.Trp2970fs; shifts the reading frame from tryptophan 2970.
Molecular consequence: frameshift variant. On other transcripts: non-coding transcript variant (1).
Genome position (GRCh38, 1-based): chr13:32,379,470-32,379,471, TG deleted; deleting any 2 consecutive bases within chr13:32,379,467-32,379,471 gives the same sequence; the c. name uses the placement nearest the transcript's 3' end. VCF-style (leftmost placement, unchanged base first): chr13-32379466-CGT-C. GRCh37 (hg19) VCF-style: chr13-32953603-CGT-C.
Other names: c.8812_8813del, p.Trp2938fs (NM_001406719.1); c.8908_8909del, p.Trp2970fs (NM_001406720.1, NM_001432077.1); c.3976_3977del, p.Trp1326fs (NM_001406721.1); c.2491_2492del, p.Trp831fs (NM_001406722.1); short protein forms W1326fs, W2938fs, W2970fs, W831fs.
Identifiers: ClinVar variation 4759339 (VCV004759339.1).